The following is an entry in ClinVar:

ClinVar aggregate classification (germline): Benign/Likely benign. Review status: criteria provided, multiple submitters, no conflicts (2 of 4 stars). 4 submissions from 4 submitters: Benign (2); Likely benign (1). 1 of the submissions does not count toward it. Last evaluated 2022-03-15.

Conditions:
Autosomal dominant nonsyndromic hearing loss 56. Also called: Deafness, autosomal dominant 56. Identifiers: Orphanet 90635, MedGen C3810170, MONDO:0014283, OMIM 615629.
TNC-related disorder. Also called: TNC-related condition.

Allele frequency attached by ClinVar (database versions not stated): gnomAD 0.00016 and 0.00019; TOPMed 0.00028; ExAC 0.00055; gnomAD exomes 0.00061; 1000 Genomes Project 0.00140; 1000 Genomes Project 30x 0.00141.
gnomAD v4.1: 163 of 1,613,984 alleles (0.01%); highest among the groups gnomAD compares: East Asian, 0.35%; no homozygotes.

Submissions (4):

Genome-Nilou Lab
Classification: Benign for Autosomal dominant nonsyndromic hearing loss 56. Last evaluated: 2022-03-15. Review status: criteria provided, single submitter. Criteria: ACMG Guidelines, 2015. Collection method: clinical testing. Allele origin: germline. Affected: no.

GeneDx
Classification: Likely benign. Last evaluated: 2021-03-17. Review status: criteria provided, single submitter. Criteria: GeneDx Variant Classification Process June 2021. Collection method: clinical testing. Allele origin: germline. Affected: yes.

Labcorp Genetics (formerly Invitae), Labcorp
Classification: Benign. Last evaluated: 2018-09-19. Review status: criteria provided, single submitter. Criteria: Invitae Variant Classification Sherloc (09022015). Collection method: clinical testing. Allele origin: germline.

PreventionGenetics, part of Exact Sciences
Classification: Benign for TNC-related condition. Last evaluated: 2019-12-09. Review status: no assertion criteria provided. Collection method: clinical testing. Allele origin: germline. Not counted in ClinVar's aggregate classification.
Comment: This variant is classified as benign based on ACMG/AMP sequence variant interpretation guidelines (Richards et al. 2015 PMID: 25741868, with internal and published modifications).

NM_002160.4(TNC):c.2120G>C (p.Arg707Thr)

Gene: TNC (tenascin C; minus strand). Cytogenetic location: 9q33.1.
Variant type: single nucleotide variant.
Coding change: c.2120G>C on transcript NM_002160.4 (MANE Select); coding-DNA position 2120, G replaced by C.
Protein change: p.Arg707Thr; replaces arginine 707 with threonine.
Molecular consequence: missense variant.
Genome position (GRCh38, 1-based): chr9:115,084,220, C>G on the plus strand (G>C on the coding strand, the complement: TNC is on the minus strand). VCF-style: chr9-115084220-C-G. GRCh37 (hg19) VCF-style: chr9-117846499-C-G.
Other names: short protein forms R707T.
Identifiers: ClinVar variation 752230 (VCV000752230.8), dbSNP rs146640511, ClinGen allele CA5208636.